The following is an entry in ClinVar:

ClinVar aggregate classification (germline): Uncertain significance (1 of 4 stars; one submission).

Allele frequency attached by ClinVar (database versions not stated): gnomAD exomes below 0.00001; TOPMed below 0.00001; gnomAD 0.00001.
gnomAD v4.1: 3 of 1,613,646 alleles (0.00019%); highest among the groups gnomAD compares: Non-Finnish European, 0.00025%; no homozygotes.

Submission:

Labcorp Genetics (formerly Invitae), Labcorp
Classification: Uncertain significance. Last evaluated: 2021-03-24. Review status: criteria provided, single submitter. Criteria: Invitae Variant Classification Sherloc (09022015). Collection method: clinical testing. Allele origin: germline.
Comment: In summary, the available evidence is currently insufficient to determine the role of this variant in disease. Therefore, it has been classified as a Variant of Uncertain Significance. Advanced modeling of protein sequence and biophysical properties (such as structural, functional, and spatial information, amino acid conservation, physicochemical variation, residue mobility, and thermodynamic stability) performed at Invitae indicates that this missense variant is not expected to disrupt COL11A1 protein function. This variant has not been reported in the literature in individuals with COL11A1-related conditions. This variant is not present in population databases (ExAC no frequency). This sequence change replaces glutamic acid with lysine at codon 513 of the COL11A1 protein (p.Glu513Lys). The glutamic acid residue is highly conserved and there is a small physicochemical difference between glutamic acid and lysine.

NM_001854.4(COL11A1):c.1537G>A (p.Glu513Lys)

Gene: COL11A1 (collagen type XI alpha 1 chain; minus strand). Cytogenetic location: 1p21.1.
Variant type: single nucleotide variant.
Coding change: c.1537G>A on transcript NM_001854.4 (MANE Select); coding-DNA position 1537, G replaced by A.
Protein change: p.Glu513Lys; replaces glutamic acid 513 with lysine.
Molecular consequence: missense variant. On other transcripts: non-coding transcript variant (1).
Genome position (GRCh38, 1-based): chr1:103,014,546, C>T on the plus strand (G>A on the coding strand, the complement: COL11A1 is on the minus strand). VCF-style: chr1-103014546-C-T. GRCh37 (hg19) VCF-style: chr1-103480102-C-T.
Other names: c.1420G>A, p.Glu474Lys (NM_001190709.2); c.1573G>A, p.Glu525Lys (NM_080629.3); c.1189G>A, p.Glu397Lys (NM_080630.4); short protein forms E474K, E525K, E397K, E513K.
Identifiers: ClinVar variation 1381277 (VCV001381277.8), dbSNP rs1288240581, ClinGen allele CA341179094.
Genomic context (GRCh38, chr1:103,014,546, plus strand): 5'-GGAATGCAAGTTTATCCTGTCTTACCCGAGCCTGCTGAAGAATAGCTTGAGCCTGAGCTT[C>T]CTGAGCAGAGATGGTTGGTCCTTTGGAACCATCACCACCATAACGGAACTTGGAAGAGAT-3'
Protein context (NP_001845.3, residues 503-523): GSKGPTISAQ[Glu513Lys]AQAQAILQQA